The following is an entry in ClinVar:

NM_001382391.1(CSPP1):c.2530G>A (p.Glu844Lys)

Gene: CSPP1 (centrosome and spindle pole associated protein 1; plus strand). Cytogenetic location: 8q13.2.
Variant type: single nucleotide variant.
Coding change: c.2530G>A on transcript NM_001382391.1 (MANE Select); coding-DNA position 2530, G replaced by A.
Protein change: p.Glu844Lys; replaces glutamic acid 844 with lysine.
Molecular consequence: missense variant.
Genome position (GRCh38, 1-based): chr8:67,159,129, G>A. VCF-style: chr8-67159129-G-A. GRCh37 (hg19) VCF-style: chr8-68071364-G-A.
Other names: c.1480G>A, p.Glu494Lys (NM_001291339.2); c.2449G>A, p.Glu817Lys (NM_001363131.2); c.2335G>A, p.Glu779Lys (NM_001363132.2); c.2254G>A, p.Glu752Lys (NM_001363133.2); c.2596G>A, p.Glu866Lys (NM_001364869.1); c.2416G>A, p.Glu806Lys (NM_001364870.1); c.2515G>A, p.Glu839Lys (NM_024790.7); short protein forms E817K, E494K, E779K, E839K, E866K, E752K, E844K, E806K.
Identifiers: ClinVar variation 1381719 (VCV001381719.6), dbSNP rs909732603, ClinGen allele CA4770858.
Genomic context (GRCh38, chr8:67,159,129, plus strand): 5'-GAAGAAAAATATAACCTGCAACTTCAGCACTACTGTGAAAGAGACAATTTGATTGGGGAA[G>A]AAACAAAGGTAAGTTTCAGACAAAAATGTCAATCAAACCCATAGTTTAACTCACTTTCAC-3'
Protein context (NP_001369320.1, residues 834-854): YCERDNLIGE[Glu844Lys]TKHMRQPSPI

ClinVar aggregate classification (germline): Uncertain significance. Review status: criteria provided, multiple submitters, no conflicts (2 of 4 stars). 3 submissions from 3 submitters: Uncertain significance (3). Last evaluated 2025-04-03.

Conditions:
Inborn genetic diseases. Identifiers: MedGen C0950123, MeSH D030342.
Joubert syndrome 21 (JBTS21). Identifiers: MedGen C3810212, MONDO:0014288, OMIM 615636.

Allele frequency attached by ClinVar (database versions not stated): ExAC 0.00001.
gnomAD v4.1: 25 of 1,596,950 alleles (0.0016%); highest among the groups gnomAD compares: Middle Eastern, 0.017%; no homozygotes.

Submissions (3):

Ambry Genetics
Classification: Uncertain significance for Inborn genetic diseases. Last evaluated: 2025-04-03. Review status: criteria provided, single submitter. Criteria: Ambry Variant Classification Scheme 2023. Collection method: clinical testing. Allele origin: germline.

Blueprint Genetics
Classification: Uncertain significance. Last evaluated: 2024-09-11. Review status: criteria provided, single submitter. Criteria: ACMG Guidelines, 2015. Collection method: clinical testing. Allele origin: germline.

Labcorp Genetics (formerly Invitae), Labcorp
Classification: Uncertain significance for Joubert syndrome 21. Last evaluated: 2022-06-27. Review status: criteria provided, single submitter. Criteria: Invitae Variant Classification Sherloc (09022015). Collection method: clinical testing. Allele origin: germline.
Comment: This sequence change replaces glutamic acid, which is acidic and polar, with lysine, which is basic and polar, at codon 839 of the CSPP1 protein (p.Glu839Lys). This variant is present in population databases (no rsID available, gnomAD 0.002%). This variant has not been reported in the literature in individuals affected with CSPP1-related conditions. Algorithms developed to predict the effect of missense changes on protein structure and function are either unavailable or do not agree on the potential impact of this missense change (SIFT: "Tolerated"; PolyPhen-2: "Possibly Damaging"; Align-GVGD: "Class C0"). In summary, the available evidence is currently insufficient to determine the role of this variant in disease. Therefore, it has been classified as a Variant of Uncertain Significance.